The following continues an entry in ClinVar:

NM_000284.4(PDHA1):c.*1682T>C

ClinVar aggregate classification (germline): Benign. Benign (2).

Submissions 66 to 84 of 84:

Dr. Peter K. Rogan Lab, Western University
No classification provided (evidence only). Condition: Ovarian serous cystadenocarcinoma. Review status: no classification provided. Collection method: in vitro. Allele origin: not applicable. Functional consequence: retained intron. Not counted in ClinVar's aggregate classification.

Dr. Peter K. Rogan Lab, Western University
No classification provided (evidence only). Condition: Ovarian serous cystadenocarcinoma. Review status: no classification provided. Collection method: in vitro. Allele origin: not applicable. Functional consequence: retained intron. Not counted in ClinVar's aggregate classification.

Dr. Peter K. Rogan Lab, Western University
No classification provided (evidence only). Condition: Ovarian serous cystadenocarcinoma. Review status: no classification provided. Collection method: in vitro. Allele origin: not applicable. Functional consequence: retained intron. Not counted in ClinVar's aggregate classification.

Dr. Peter K. Rogan Lab, Western University
No classification provided (evidence only). Condition: Ovarian serous cystadenocarcinoma. Review status: no classification provided. Collection method: in vitro. Allele origin: not applicable. Functional consequence: retained intron. Not counted in ClinVar's aggregate classification.

Dr. Peter K. Rogan Lab, Western University
No classification provided (evidence only). Condition: Ovarian serous cystadenocarcinoma. Review status: no classification provided. Collection method: in vitro. Allele origin: not applicable. Functional consequence: retained intron. Not counted in ClinVar's aggregate classification.

Dr. Peter K. Rogan Lab, Western University
No classification provided (evidence only). Condition: Ovarian serous cystadenocarcinoma. Review status: no classification provided. Collection method: in vitro. Allele origin: not applicable. Functional consequence: retained intron. Not counted in ClinVar's aggregate classification.

Dr. Peter K. Rogan Lab, Western University
No classification provided (evidence only). Condition: Gastric cancer. Review status: no classification provided. Collection method: in vitro. Allele origin: not applicable. Functional consequence: retained intron. Not counted in ClinVar's aggregate classification.

Dr. Peter K. Rogan Lab, Western University
No classification provided (evidence only). Condition: Gastric cancer. Review status: no classification provided. Collection method: in vitro. Allele origin: not applicable. Functional consequence: retained intron. Not counted in ClinVar's aggregate classification.

Dr. Peter K. Rogan Lab, Western University
No classification provided (evidence only). Condition: Gastric cancer. Review status: no classification provided. Collection method: in vitro. Allele origin: not applicable. Functional consequence: retained intron. Not counted in ClinVar's aggregate classification.

Dr. Peter K. Rogan Lab, Western University
No classification provided (evidence only). Condition: Gastric cancer. Review status: no classification provided. Collection method: in vitro. Allele origin: not applicable. Functional consequence: retained intron. Not counted in ClinVar's aggregate classification.

Dr. Peter K. Rogan Lab, Western University
No classification provided (evidence only). Condition: Malignant tumor of esophagus. Review status: no classification provided. Collection method: in vitro. Allele origin: not applicable. Functional consequence: retained intron. Not counted in ClinVar's aggregate classification.

Dr. Peter K. Rogan Lab, Western University
No classification provided (evidence only). Condition: Chronic lymphocytic leukemia/small lymphocytic lymphoma. Review status: no classification provided. Collection method: in vitro. Allele origin: not applicable. Functional consequence: retained intron. Not counted in ClinVar's aggregate classification.

Dr. Peter K. Rogan Lab, Western University
No classification provided (evidence only). Condition: Chronic lymphocytic leukemia/small lymphocytic lymphoma. Review status: no classification provided. Collection method: in vitro. Allele origin: not applicable. Functional consequence: retained intron. Not counted in ClinVar's aggregate classification.

Dr. Peter K. Rogan Lab, Western University
No classification provided (evidence only). Condition: Chronic lymphocytic leukemia/small lymphocytic lymphoma. Review status: no classification provided. Collection method: in vitro. Allele origin: not applicable. Functional consequence: retained intron. Not counted in ClinVar's aggregate classification.

Dr. Peter K. Rogan Lab, Western University
No classification provided (evidence only). Condition: Chronic lymphocytic leukemia/small lymphocytic lymphoma. Review status: no classification provided. Collection method: in vitro. Allele origin: not applicable. Functional consequence: retained intron. Not counted in ClinVar's aggregate classification.

Dr. Peter K. Rogan Lab, Western University
No classification provided (evidence only). Condition: Nonpapillary renal cell carcinoma. Review status: no classification provided. Collection method: in vitro. Allele origin: not applicable. Functional consequence: retained intron. Not counted in ClinVar's aggregate classification.

Dr. Peter K. Rogan Lab, Western University
No classification provided (evidence only). Condition: Familial pancreatic carcinoma. Review status: no classification provided. Collection method: in vitro. Allele origin: not applicable. Functional consequence: retained intron. Not counted in ClinVar's aggregate classification.

Dr. Peter K. Rogan Lab, Western University
No classification provided (evidence only). Condition: Lymphoma. Review status: no classification provided. Collection method: in vitro. Allele origin: not applicable. Functional consequence: retained intron. Not counted in ClinVar's aggregate classification.

Dr. Peter K. Rogan Lab, Western University
No classification provided (evidence only). Condition: Ovarian cancer. Review status: no classification provided. Collection method: in vitro. Allele origin: not applicable. Functional consequence: retained intron. Not counted in ClinVar's aggregate classification.